The following is an entry in ClinVar:

ClinVar aggregate classification (germline): Benign. Review status: criteria provided, single submitter (1 of 4 stars). 2 submissions from 1 submitter: Benign (2). Last evaluated 2018-01-13.

Conditions:
Glycogen storage disease, type IV (GSD4). Also called: AMYLOPECTINOSIS; ANDERSEN DISEASE; BRANCHER DEFICIENCY; CIRRHOSIS, FAMILIAL, WITH DEPOSITION OF ABNORMAL GLYCOGEN; GBE1 DEFICIENCY; GLYCOGEN BRANCHING ENZYME DEFICIENCY. Identifiers: Orphanet 367, MedGen C0017923, MONDO:0009292, OMIM 232500.
Adult polyglucosan body disease (APBN). Also called: GBE1-Adult Polyglucosan Body Disease; POLYGLUCOSAN BODY DISEASE, ADULT FORM. Identifiers: Orphanet 206583, MedGen C1849722, MONDO:0009897, OMIM 263570.

Allele frequency attached by ClinVar (database versions not stated): TOPMed 0.00374; 1000 Genomes Project 0.00599; 1000 Genomes Project 30x 0.00671.
gnomAD v4.1: 561 of 155,178 alleles (0.36%); highest among the groups gnomAD compares: Middle Eastern, 2.3%; 4 homozygotes.

Submissions (2):

Illumina Laboratory Services, Illumina
Classification: Benign for Glycogen storage disease, type IV. Last evaluated: 2018-01-13. Review status: criteria provided, single submitter. Criteria: ICSL Variant Classification Criteria 13 December 2019. Collection method: clinical testing. Allele origin: germline.
Comment: This variant was observed in the ICSL laboratory as part of a predisposition screen in an ostensibly healthy population. It had not been previously curated by ICSL or reported in the Human Gene Mutation Database (HGMD: prior to June 1st, 2018), and was therefore a candidate for classification through an automated scoring system. Utilizing variant allele frequency, disease prevalence and penetrance estimates, and inheritance mode, an automated score was calculated to assess if this variant is too frequent to cause the disease. Based on the score and internal cut-off values, a variant classified as benign is not then subjected to further curation. The score for this variant resulted in a classification of benign for this disease.

Illumina Laboratory Services, Illumina
Classification: Benign for Adult polyglucosan body disease. Last evaluated: 2018-01-13. Review status: criteria provided, single submitter. Criteria: ICSL Variant Classification Criteria 13 December 2019. Collection method: clinical testing. Allele origin: germline.
Comment: the same text as in the submission from Illumina Laboratory Services, Illumina above.

NM_000158.4(GBE1):c.*494A>T

Gene: GBE1 (1,4-alpha-glucan branching enzyme 1; minus strand). Cytogenetic location: 3p12.2.
Variant type: single nucleotide variant.
Coding change: c.*494A>T on transcript NM_000158.4 (MANE Select); 494 bases downstream of the stop codon, A replaced by T.
Molecular consequence: 3 prime UTR variant.
Genome position (GRCh38, 1-based): chr3:81,489,913, T>A on the plus strand (A>T on the coding strand, the complement: GBE1 is on the minus strand). VCF-style: chr3-81489913-T-A. GRCh37 (hg19) VCF-style: chr3-81539064-T-A.
Identifiers: ClinVar variation 899980 (VCV000899980.4), dbSNP rs145934828, ClinGen allele CA78275151.